The following is an entry in ClinVar:

NM_001077418.3(TMEM231):c.15G>A (p.Glu5=)

Gene: TMEM231 (transmembrane protein 231; minus strand). Cytogenetic location: 16q23.1.
Variant type: single nucleotide variant.
Coding change: c.15G>A on transcript NM_001077418.3 (MANE Select); coding-DNA position 15, G replaced by A.
Protein change: p.Glu5=; no amino-acid change (glutamic acid 5 retained).
Molecular consequence: synonymous variant. On other transcripts: missense variant (1), non-coding transcript variant (1).
Genome position (GRCh38, 1-based): chr16:75,556,195, C>T on the plus strand (G>A on the coding strand, the complement: TMEM231 is on the minus strand). VCF-style: chr16-75556195-C-T. GRCh37 (hg19) VCF-style: chr16-75590093-C-T.
Other names: c.77G>A, p.Ser26Asn (NM_001077416.2); short protein forms S26N.
Identifiers: ClinVar variation 2189147 (VCV002189147.4), dbSNP rs754078071, ClinGen allele CA396810714.

ClinVar aggregate classification (germline): Uncertain significance (1 of 4 stars; one submission).

Conditions:
Joubert syndrome 20 (JBTS20). Identifiers: Orphanet 475, MedGen C3554235, MONDO:0013994, OMIM 614970.
Meckel syndrome, type 11 (MKS11). Identifiers: Orphanet 564, MedGen C3809352, MONDO:0014164, OMIM 615397.

Allele frequency attached by ClinVar (database versions not stated): gnomAD 0.00001.
gnomAD v4.1: 2 of 1,479,770 alleles (0.00014%); highest among the groups gnomAD compares: Non-Finnish European, 0.00018%; no homozygotes.

Submission:

Labcorp Genetics (formerly Invitae), Labcorp
Classification: Uncertain significance for Joubert syndrome 20; Meckel syndrome, type 11. Last evaluated: 2022-10-25. Review status: criteria provided, single submitter. Criteria: Invitae Variant Classification Sherloc (09022015). Collection method: clinical testing. Allele origin: germline.
Comment: This sequence change replaces serine, which is neutral and polar, with asparagine, which is neutral and polar, at codon 26 of the TMEM231 protein (p.Ser26Asn). This variant is not present in population databases (gnomAD no frequency). This variant has not been reported in the literature in individuals affected with TMEM231-related conditions. Algorithms developed to predict the effect of missense changes on protein structure and function output the following: SIFT: "Deleterious"; PolyPhen-2: "Not Available"; Align-GVGD: "Class C0". The asparagine amino acid residue is found in multiple mammalian species, which suggests that this missense change does not adversely affect protein function. In summary, the available evidence is currently insufficient to determine the role of this variant in disease. Therefore, it has been classified as a Variant of Uncertain Significance.